The following is an entry in ClinVar:

ClinVar aggregate classification (germline): Uncertain significance. Review status: criteria provided, multiple submitters, no conflicts (2 of 4 stars). 3 submissions from 3 submitters: Uncertain significance (3). Last evaluated 2025-07-08.

Conditions:
Familial cancer of breast. Also called: hereditary breast carcinoma; BREAST CANCER, FAMILIAL; Hereditary breast cancer. Identifiers: Orphanet 227535, MedGen C0346153, MONDO:0016419, OMIM 114480. Disease mechanism: loss of function.
Hereditary cancer-predisposing syndrome. Also called: Neoplastic Syndromes, Hereditary; Hereditary Cancer Syndrome; Hereditary neoplastic syndrome; Tumor predisposition. Identifiers: Orphanet 140162, MedGen C0027672, MeSH D009386, MONDO:0015356.

Allele frequency attached by ClinVar (database versions not stated): gnomAD exomes below 0.00001.
gnomAD v4.1: 1 of 1,612,868 alleles (0.000062%); highest among the groups gnomAD compares: Non-Finnish European, 0.000085%; no homozygotes.

Submissions (3):

Laboratorio de I+D, Fundación Centro Médico de Asturias
Classification: Uncertain significance for Hereditary cancer-predisposing syndrome. Last evaluated: 2025-07-08. Review status: criteria provided, single submitter. Criteria: ACMG Guidelines, 2015. Collection method: clinical testing. Allele origin: germline.
Comment: PM2_Supporting+PP3+BP1

Labcorp Genetics (formerly Invitae), Labcorp
Classification: Uncertain significance for Familial cancer of breast. Last evaluated: 2024-03-03. Review status: criteria provided, single submitter. Criteria: Invitae Variant Classification Sherloc (09022015). Collection method: clinical testing. Allele origin: germline.
Comment: This sequence change replaces proline, which is neutral and non-polar, with leucine, which is neutral and non-polar, at codon 60 of the BARD1 protein (p.Pro60Leu). This variant is not present in population databases (gnomAD no frequency). This variant has not been reported in the literature in individuals affected with BARD1-related conditions. ClinVar contains an entry for this variant (Variation ID: 2107411). An algorithm developed to predict the effect of missense changes on protein structure and function (PolyPhen-2) suggests that this variant is likely to be disruptive. In summary, the available evidence is currently insufficient to determine the role of this variant in disease. Therefore, it has been classified as a Variant of Uncertain Significance.

GeneDx
Classification: Uncertain significance. Last evaluated: 2023-09-18. Review status: criteria provided, single submitter. Criteria: GeneDx Variant Classification Process June 2021. Collection method: clinical testing. Allele origin: germline. Affected: yes.
Comment: Not observed at significant frequency in large population cohorts (gnomAD); In silico analysis supports that this missense variant has a deleterious effect on protein structure/function; Has not been previously published as pathogenic or benign to our knowledge; This variant is associated with the following publications: (PMID: 18480049)

NM_000465.4(BARD1):c.179C>T (p.Pro60Leu)

Gene: BARD1 (BRCA1 associated RING domain 1; minus strand). Cytogenetic location: 2q35.
Variant type: single nucleotide variant.
Coding change: c.179C>T on transcript NM_000465.4 (MANE Select); coding-DNA position 179, C replaced by T.
Protein change: p.Pro60Leu; replaces proline 60 with leucine.
Molecular consequence: missense variant. On other transcripts: non-coding transcript variant (2), intron variant (2).
Genome position (GRCh38, 1-based): chr2:214,797,097, G>A on the plus strand (C>T on the coding strand, the complement: BARD1 is on the minus strand). VCF-style: chr2-214797097-G-A. GRCh37 (hg19) VCF-style: chr2-215661821-G-A.
Other names: c.179C>T, p.Pro60Leu (NM_001282545.2, NM_001282549.2); c.158+12315C>T (NM_001282548.2); c.159-4652C>T (NM_001282543.2); c.179C>T (NM_000465.2); short protein forms P60L.
Identifiers: ClinVar variation 2107411 (VCV002107411.6), dbSNP rs1553625768, ClinGen allele CA350462276.